The following is an entry in ClinVar:

NM_005148.4(UNC119):c.551C>A (p.Pro184His)

Gene: UNC119 (unc-119 lipid binding chaperone; minus strand). Cytogenetic location: 17q11.2.
Variant type: single nucleotide variant.
Coding change: c.551C>A on transcript NM_005148.4 (MANE Select); coding-DNA position 551, C replaced by A.
Protein change: p.Pro184His; replaces proline 184 with histidine.
Molecular consequence: missense variant.
Genome position (GRCh38, 1-based): chr17:28,547,736, G>T on the plus strand (C>A on the coding strand, the complement: UNC119 is on the minus strand). VCF-style: chr17-28547736-G-T. GRCh37 (hg19) VCF-style: chr17-26874754-G-T.
Other names: c.266C>A, p.Pro89His (NM_001330166.2); c.551C>A, p.Pro184His (NM_054035.2); short protein forms P184H, P89H.
Identifiers: ClinVar variation 2009985 (VCV002009985.4), dbSNP rs1567610440, ClinGen allele CA398330669.
Genomic context (GRCh38, chr17:28,547,736, plus strand): 5'-CTCAGCTCCTCGGAGAGAGGGGGGAAGTCGTAAATGTGCTCGCAGGTGTTCTTGCTGCTG[G>T]GGATGCAGAAGCCAAAGTGGAAGTCGAAGCTTTTGAGTAGCTGGTTGCGGAAGTAGTGCC-3'
Protein context (NP_005139.1, residues 174-194): SFDFHFGFCI[Pro184His]SSKNTCEHIY

ClinVar aggregate classification (germline): Uncertain significance (1 of 4 stars; one submission).

Submission:

Labcorp Genetics (formerly Invitae), Labcorp
Classification: Uncertain significance. Last evaluated: 2022-07-05. Review status: criteria provided, single submitter. Criteria: Invitae Variant Classification Sherloc (09022015). Collection method: clinical testing. Allele origin: germline.
Comment: This sequence change replaces proline, which is neutral and non-polar, with histidine, which is basic and polar, at codon 184 of the UNC119 protein (p.Pro184His). This variant is not present in population databases (gnomAD no frequency). This variant has not been reported in the literature in individuals affected with UNC119-related conditions. Algorithms developed to predict the effect of missense changes on protein structure and function are either unavailable or do not agree on the potential impact of this missense change (SIFT: "Not Available"; PolyPhen-2: "Probably Damaging"; Align-GVGD: "Not Available"). In summary, the available evidence is currently insufficient to determine the role of this variant in disease. Therefore, it has been classified as a Variant of Uncertain Significance.